The following is an entry in ClinVar:

ClinVar aggregate classification (germline): Uncertain significance (1 of 4 stars; one submission).

Conditions:
Inborn genetic diseases. Identifiers: MedGen C0950123, MeSH D030342.

Submission:

Ambry Genetics
Classification: Uncertain significance for Inborn genetic diseases. Last evaluated: 2024-05-24. Review status: criteria provided, single submitter. Criteria: Ambry Variant Classification Scheme 2023. Collection method: clinical testing. Allele origin: germline.
Comment: The p.E583K variant (also known as c.1747G>A), located in coding exon 15 of the LRRK2 gene, results from a G to A substitution at nucleotide position 1747. The glutamic acid at codon 583 is replaced by lysine, an amino acid with similar properties. This amino acid position is conserved. In addition, this alteration is predicted to be tolerated by in silico analysis. Based on the available evidence, the clinical significance of this variant remains unclear.

NM_198578.4(LRRK2):c.1747G>A (p.Glu583Lys)

Gene: LRRK2 (leucine rich repeat kinase 2; plus strand). Cytogenetic location: 12q12.
Variant type: single nucleotide variant.
Coding change: c.1747G>A on transcript NM_198578.4 (MANE Select); coding-DNA position 1747, G replaced by A.
Protein change: p.Glu583Lys; replaces glutamic acid 583 with lysine.
Molecular consequence: missense variant.
Genome position (GRCh38, 1-based): chr12:40,274,673, G>A. VCF-style: chr12-40274673-G-A. GRCh37 (hg19) VCF-style: chr12-40668475-G-A.
Other names: short protein forms E583K.
Identifiers: ClinVar variation 3292031 (VCV003292031.1).